The following is an entry in ClinVar:

ClinVar aggregate classification (germline): Uncertain significance (1 of 4 stars; one submission).

Conditions:
Hereditary cancer-predisposing syndrome. Also called: Tumor predisposition; Hereditary neoplastic syndrome; Neoplastic Syndromes, Hereditary; Hereditary Cancer Syndrome. Identifiers: Orphanet 140162, MedGen C0027672, MeSH D009386, MONDO:0015356.

Submission:

Ambry Genetics
Classification: Uncertain significance for Hereditary cancer-predisposing syndrome. Last evaluated: 2025-05-01. Review status: criteria provided, single submitter. Criteria: Ambry Variant Classification Scheme 2023. Collection method: clinical testing. Allele origin: germline.
Comment: The c.556-3C>G intronic variant results from a C to G substitution 3 nucleotides upstream from coding exon 5 in the FH gene. This nucleotide position is highly conserved in available vertebrate species. In silico splice site analysis predicts that this alteration will weaken the native splice acceptor site; however, direct evidence is insufficient at this time (Ambry internal data). Based on the available evidence, the clinical significance of this variant remains unclear.

NM_000143.4(FH):c.556-3C>G

Gene: FH (fumarate hydratase; minus strand). Cytogenetic location: 1q43.
Variant type: single nucleotide variant.
Coding change: c.556-3C>G on transcript NM_000143.4 (MANE Select); 3 bases into the intron before coding-DNA position 556, C replaced by G.
Molecular consequence: intron variant.
Genome position (GRCh38, 1-based): chr1:241,508,788, G>C on the plus strand (C>G on the coding strand, the complement: FH is on the minus strand). VCF-style: chr1-241508788-G-C. GRCh37 (hg19) VCF-style: chr1-241672088-G-C.
Identifiers: ClinVar variation 4024827 (VCV004024827.1).